The following is an entry in ClinVar:

NM_000243.3(MEFV):c.1019G>A (p.Gly340Glu)

Gene: MEFV (MEFV innate immunity regulator, pyrin; minus strand). Cytogenetic location: 16p13.3.
Variant type: single nucleotide variant.
Coding change: c.1019G>A on transcript NM_000243.3 (MANE Select); coding-DNA position 1019, G replaced by A.
Protein change: p.Gly340Glu; replaces glycine 340 with glutamic acid.
Molecular consequence: missense variant.
Genome position (GRCh38, 1-based): chr16:3,249,672, C>T on the plus strand (G>A on the coding strand, the complement: MEFV is on the minus strand). VCF-style: chr16-3249672-C-T. GRCh37 (hg19) VCF-style: chr16-3299672-C-T.
Other names: c.386G>A, p.Gly129Glu (NM_001198536.2); short protein forms G129E, G340E.
Identifiers: ClinVar variation 2088199 (VCV002088199.3), dbSNP rs1959002117, ClinGen allele CA394471049.

ClinVar aggregate classification (germline): Uncertain significance (1 of 4 stars; one submission).

Conditions:
Familial Mediterranean fever (FMF). Also called: POLYSEROSITIS, FAMILIAL PAROXYSMAL; POLYSEROSITIS, RECURRENT; Periodic peritonitis; Benign paroxysmal peritonitis. Identifiers: Orphanet 342, MedGen C0031069, MONDO:0018088, OMIM 249100. Disease mechanism: gain of function.

Allele frequency attached by ClinVar (database versions not stated): gnomAD exomes below 0.00001.
gnomAD v4.1: 1 of 1,612,838 alleles (0.000062%); highest among the groups gnomAD compares: Non-Finnish European, 0.000085%; no homozygotes.

Submission:

Labcorp Genetics (formerly Invitae), Labcorp
Classification: Uncertain significance for Familial Mediterranean fever. Last evaluated: 2022-06-09. Review status: criteria provided, single submitter. Criteria: Invitae Variant Classification Sherloc (09022015). Collection method: clinical testing. Allele origin: germline.
Comment: In summary, the available evidence is currently insufficient to determine the role of this variant in disease. Therefore, it has been classified as a Variant of Uncertain Significance. Algorithms developed to predict the effect of missense changes on protein structure and function output the following: SIFT: "Tolerated"; PolyPhen-2: "Benign"; Align-GVGD: "Class C0". The glutamic acid amino acid residue is found in multiple mammalian species, which suggests that this missense change does not adversely affect protein function. This variant has not been reported in the literature in individuals affected with MEFV-related conditions. This variant is not present in population databases (gnomAD no frequency). This sequence change replaces glycine, which is neutral and non-polar, with glutamic acid, which is acidic and polar, at codon 340 of the MEFV protein (p.Gly340Glu).